The following is an entry in ClinVar:

ClinVar aggregate classification (germline): Uncertain significance. Review status: criteria provided, single submitter (1 of 4 stars). 2 submissions from 2 submitters: Uncertain significance (1). 1 of the submissions does not count toward it. Last evaluated 2024-09-16.

Conditions:
MYH3-related disorder. Also called: MYH3-Related Disorders; MYH3-related condition. Identifiers: MedGen CN239329.

Allele frequency attached by ClinVar (database versions not stated): ExAC 0.00002; gnomAD exomes 0.00002 and 0.00003; gnomAD 0.00003 and 0.00004; TOPMed 0.00003.
gnomAD v4.1: 52 of 1,614,032 alleles (0.0032%); highest among the groups gnomAD compares: Non-Finnish European, 0.0041%; no homozygotes.

Submissions (2):

Labcorp Genetics (formerly Invitae), Labcorp
Classification: Uncertain significance. Last evaluated: 2024-09-16. Review status: criteria provided, single submitter. Criteria: Invitae Variant Classification Sherloc (09022015). Collection method: clinical testing. Allele origin: germline.
Comment: This sequence change replaces alanine, which is neutral and non-polar, with valine, which is neutral and non-polar, at codon 1805 of the MYH3 protein (p.Ala1805Val). This variant is present in population databases (rs781063695, gnomAD 0.005%). This variant has not been reported in the literature in individuals affected with MYH3-related conditions. ClinVar contains an entry for this variant (Variation ID: 1392838). Invitae Evidence Modeling of protein sequence and biophysical properties (such as structural, functional, and spatial information, amino acid conservation, physicochemical variation, residue mobility, and thermodynamic stability) indicates that this missense variant is not expected to disrupt MYH3 protein function with a negative predictive value of 95%. In summary, the available evidence is currently insufficient to determine the role of this variant in disease. Therefore, it has been classified as a Variant of Uncertain Significance.

PreventionGenetics, part of Exact Sciences
Classification: Uncertain significance for MYH3-related condition. Last evaluated: 2024-02-27. Review status: no assertion criteria provided. Collection method: clinical testing. Allele origin: germline. Not counted in ClinVar's aggregate classification.
Comment: The MYH3 c.5414C>T variant is predicted to result in the amino acid substitution p.Ala1805Val. To our knowledge, this variant has not been reported in the literature. This variant is reported in 0.0046% of alleles in individuals of European (non-Finnish) descent in gnomAD. At this time, the clinical significance of this variant is uncertain due to the absence of conclusive functional and genetic evidence.

NM_002470.4(MYH3):c.5414C>T (p.Ala1805Val)

Gene: MYH3 (myosin heavy chain 3; minus strand). Cytogenetic location: 17p13.1.
Variant type: single nucleotide variant.
Coding change: c.5414C>T on transcript NM_002470.4 (MANE Select); coding-DNA position 5414, C replaced by T.
Protein change: p.Ala1805Val; replaces alanine 1805 with valine.
Molecular consequence: missense variant.
Genome position (GRCh38, 1-based): chr17:10,630,331, G>A on the plus strand (C>T on the coding strand, the complement: MYH3 is on the minus strand). VCF-style: chr17-10630331-G-A. GRCh37 (hg19) VCF-style: chr17-10533648-G-A.
Other names: c.5414C>T (NM_002470.3); short protein forms A1805V.
Identifiers: ClinVar variation 1392838 (VCV001392838.8), dbSNP rs781063695, ClinGen allele CA8391941.